The following is an entry in ClinVar:

ClinVar aggregate classification (germline): Pathogenic (1 of 4 stars; one submission).

Submission:

Labcorp Genetics (formerly Invitae), Labcorp
Classification: Pathogenic. Last evaluated: 2024-11-19. Review status: criteria provided, single submitter. Criteria: Invitae Variant Classification Sherloc (09022015). Collection method: clinical testing. Allele origin: germline.
Comment: This sequence change creates a premature translational stop signal (p.Ser477Leufs*35) in the DARS2 gene. It is expected to result in an absent or disrupted protein product. Loss-of-function variants in DARS2 are known to be pathogenic (PMID: 17384640, 24566671). This variant is not present in population databases (gnomAD no frequency). This variant has not been reported in the literature in individuals affected with DARS2-related conditions. For these reasons, this variant has been classified as Pathogenic.

Literature cited by the submitters: PubMed 17384640; PubMed 24566671.

NM_018122.5(DARS2):c.1427dup (p.Ser477fs)

Gene: DARS2 (aspartyl-tRNA synthetase 2, mitochondrial; plus strand). Cytogenetic location: 1q25.1.
Variant type: Duplication.
Coding change: c.1427dup on transcript NM_018122.5 (MANE Select); coding-DNA position 1427, one base duplicated (T; older notation c.1427dupT).
Protein change: p.Ser477fs; shifts the reading frame from serine 477.
Molecular consequence: frameshift variant.
Genome position (GRCh38, 1-based): chr1:173,853,431, T duplicated; the last of 2 consecutive T bases (chr1:173,853,430-173,853,431); duplicating either gives the same sequence. VCF-style (leftmost placement, unchanged base first): chr1-173853429-G-GT. GRCh37 (hg19) VCF-style: chr1-173822567-G-GT.
Other names: c.1274dup, p.Ser426fs (NM_001365212.1); short protein forms S477fs, S426fs.
Identifiers: ClinVar variation 3725558 (VCV003725558.2).